The following is an entry in ClinVar:

NM_000016.6(ACADM):c.703A>T (p.Arg235Ter)

Gene: ACADM (acyl-CoA dehydrogenase medium chain; plus strand). Cytogenetic location: 1p31.1.
Variant type: single nucleotide variant.
Coding change: c.703A>T on transcript NM_000016.6 (MANE Select); coding-DNA position 703, A replaced by T.
Protein change: p.Arg235Ter; replaces arginine 235 with a stop codon.
Molecular consequence: nonsense.
Genome position (GRCh38, 1-based): chr1:75,745,909, A>T. VCF-style: chr1-75745909-A-T. GRCh37 (hg19) VCF-style: chr1-76211594-A-T.
Other names: c.715A>T, p.Arg239Ter (NM_001127328.3); c.595A>T, p.Arg199Ter (NM_001286042.2); c.802A>T, p.Arg268Ter (NM_001286043.2); c.136A>T, p.Arg46Ter (NM_001286044.2); short protein forms R235*, R199*, R268*, R239*, R46*.
Identifiers: ClinVar variation 2050358 (VCV002050358.4), dbSNP rs2525636733, ClinGen allele CA340816302.
Genomic context (GRCh38, chr1:75,745,909, plus strand): 5'-GCTAATAAAGCCTTTACTGGATTCATTGTGGAAGCAGATACCCCAGGAATTCAGATTGGG[A>T]GAAAGGTAAAGTATTTATTAATGATTAGGGCCCCAAATATTATTTTAATTATAAATTGCA-3'

ClinVar aggregate classification (germline): Pathogenic (1 of 4 stars; one submission).

Conditions:
Medium-chain acyl-coenzyme A dehydrogenase deficiency (ACADMD). Also called: ACADM DEFICIENCY; MCADH DEFICIENCY; MCADD; MCAD Deficiency; CARNITINE DEFICIENCY SECONDARY TO MEDIUM-CHAIN ACYL-CoA DEHYDROGENASE DEFICIENCY; Medium chain acyl-CoA dehydrogenase deficiency. Identifiers: Orphanet 42, MedGen C0220710, MONDO:0008721, OMIM 201450.

Submission:

Labcorp Genetics (formerly Invitae), Labcorp
Classification: Pathogenic for Medium-chain acyl-coenzyme A dehydrogenase deficiency. Last evaluated: 2022-10-07. Review status: criteria provided, single submitter. Criteria: Invitae Variant Classification Sherloc (09022015). Collection method: clinical testing. Allele origin: germline.
Comment: For these reasons, this variant has been classified as Pathogenic. This variant has not been reported in the literature in individuals affected with ACADM-related conditions. This variant is not present in population databases (gnomAD no frequency). This sequence change creates a premature translational stop signal (p.Arg235*) in the ACADM gene. It is expected to result in an absent or disrupted protein product. Loss-of-function variants in ACADM are known to be pathogenic (PMID: 16121256, 20434380).

Literature cited by the submitters: PubMed 16121256; PubMed 20434380.